The following is an entry in ClinVar:

NM_000155.4(GALT):c.82+2del

Gene: GALT (galactose-1-phosphate uridylyltransferase; plus strand). Cytogenetic location: 9p13.3.
Variant type: Deletion.
Coding change: c.82+2del on transcript NM_000155.4 (MANE Select); the canonical splice donor site of the intron after coding-DNA position 82, one base deleted (T; older notation c.82+2delT).
Molecular consequence: splice donor variant.
Genome position (GRCh38, 1-based): chr9:34,646,788, T deleted. VCF-style (leftmost placement, unchanged base first): chr9-34646787-GT-G. GRCh37 (hg19) VCF-style: chr9-34646784-GT-G.
Other names: c.-121+2del (NM_001258332.2).
Identifiers: ClinVar variation 193055 (VCV000193055.8), dbSNP rs794726876, ClinGen allele CA274900.
Genomic context (GRCh38, chr9:34,646,787, plus strand): 5'-CTCAGCAACGCCAGCAGGCGTCAGAGGCGGACGCCGCAGCAGCAACCTTCCGGGCAAACG[GT>G]AACTGCACCGCGGCAGGGACTCGCTGGGGCGCGGAGCCGAGCCCTCCCCTTCCTTAGGAA-3'

ClinVar aggregate classification (germline): Pathogenic/Likely pathogenic. Review status: criteria provided, multiple submitters, no conflicts (2 of 4 stars). 2 submissions from 2 submitters: Pathogenic (1); Likely pathogenic (1). Last evaluated 2023-04-09.

Conditions:
Deficiency of UDPglucose-hexose-1-phosphate uridylyltransferase. Also called: GALT deficiency; Galactosemia, classic; Transferase Deficiency Galactosemia; GALACTOSE-1-PHOSPHATE URIDYLYLTRANSFERASE DEFICIENCY; GALACTOSEMIA I. Identifiers: Orphanet 352, Orphanet 79239, MedGen C0268151, MONDO:0009258, OMIM 230400.

Submissions (2):

Labcorp Genetics (formerly Invitae), Labcorp
Classification: Likely pathogenic for Deficiency of UDPglucose-hexose-1-phosphate uridylyltransferase. Last evaluated: 2023-04-09. Review status: criteria provided, single submitter. Criteria: Invitae Variant Classification Sherloc (09022015). Collection method: clinical testing. Allele origin: germline.
Comment: In summary, the currently available evidence indicates that the variant is pathogenic, but additional data are needed to prove that conclusively. Therefore, this variant has been classified as Likely Pathogenic. Algorithms developed to predict the effect of sequence changes on RNA splicing suggest that this variant may disrupt the consensus splice site. ClinVar contains an entry for this variant (Variation ID: 193055). This variant has not been reported in the literature in individuals affected with GALT-related conditions. This variant is not present in population databases (gnomAD no frequency). This sequence change affects a splice site in intron 1 of the GALT gene. It is expected to disrupt RNA splicing. Variants that disrupt the donor or acceptor splice site typically lead to a loss of protein function (PMID: 16199547), and loss-of-function variants in GALT are known to be pathogenic (PMID: 22944367).

Eurofins Ntd Llc (ga)
Classification: Pathogenic. Last evaluated: 2015-04-29. Review status: criteria provided, single submitter. Criteria: EGL Classification Definitions 2015. Collection method: clinical testing. Allele origin: germline. Observed: 2 variant alleles, 2 heterozygotes.

Literature cited by the submitters: PubMed 16199547 (cited by Labcorp Genetics (formerly Invitae), Labcorp); PubMed 22944367 (cited by Labcorp Genetics (formerly Invitae), Labcorp).